The following is an entry in ClinVar:

ClinVar aggregate classification (germline): Uncertain significance (1 of 4 stars; one submission).

Conditions:
Hereditary cancer-predisposing syndrome. Also called: Hereditary neoplastic syndrome; Hereditary Cancer Syndrome; Neoplastic Syndromes, Hereditary; Tumor predisposition. Identifiers: Orphanet 140162, MedGen C0027672, MeSH D009386, MONDO:0015356.

Submission:

Ambry Genetics
Classification: Uncertain significance for Hereditary cancer-predisposing syndrome. Last evaluated: 2023-04-18. Review status: criteria provided, single submitter. Criteria: Ambry Variant Classification Scheme 2023. Collection method: clinical testing. Allele origin: germline.
Comment: The p.S2417Y variant (also known as c.7250C>A), located in coding exon 15 of the APC gene, results from a C to A substitution at nucleotide position 7250. The serine at codon 2417 is replaced by tyrosine, an amino acid with dissimilar properties. This amino acid position is conserved. In addition, in silico predictors for this gene do not accurately predict pathogenicity. Since supporting evidence is limited at this time, the clinical significance of this alteration remains unclear.

NM_000038.6(APC):c.7250C>A (p.Ser2417Tyr)

Gene: APC (APC regulator of Wnt signaling pathway; plus strand). Cytogenetic location: 5q22.2.
Variant type: single nucleotide variant.
Coding change: c.7250C>A on transcript NM_000038.6 (MANE Select); coding-DNA position 7250, C replaced by A.
Protein change: p.Ser2417Tyr; replaces serine 2417 with tyrosine.
Molecular consequence: missense variant. On other transcripts: non-coding transcript variant (2).
Genome position (GRCh38, 1-based): chr5:112,842,844, C>A. VCF-style: chr5-112842844-C-A. GRCh37 (hg19) VCF-style: chr5-112178541-C-A.
Other names: c.7304C>A, p.Ser2435Tyr (NM_001407449.1, NM_001354896.2, NM_001407447.1 and 1 more transcripts); c.7250C>A, p.Ser2417Tyr (NM_001407450.1, NM_001127510.3, NM_001354895.2); c.7229C>A, p.Ser2410Tyr (NM_001407451.1); c.7220C>A, p.Ser2407Tyr (NM_001407452.1); c.7001C>A, p.Ser2334Tyr (NM_001407454.1, NM_001407455.1, NM_001407456.1 and 1 more transcripts); c.7073C>A, p.Ser2358Tyr (NM_001407453.1, NM_001354901.2); c.7196C>A, p.Ser2399Tyr (NM_001127511.3); c.7280C>A, p.Ser2427Tyr (NM_001354897.2); and 11 more; short protein forms S2326Y, S2445Y, S2316Y, S2334Y, S2358Y, S2376Y, S2407Y, S2417Y.
Identifiers: ClinVar variation 2566985 (VCV002566985.2), dbSNP rs1201812680, ClinGen allele CA16037124.